The following is an entry in ClinVar:

NM_000285.4(PEPD):c.259G>A (p.Asp87Asn)

Gene: PEPD (peptidase D; minus strand). Cytogenetic location: 19q13.11.
Variant type: single nucleotide variant.
Coding change: c.259G>A on transcript NM_000285.4 (MANE Select); coding-DNA position 259, G replaced by A.
Protein change: p.Asp87Asn; replaces aspartic acid 87 with asparagine.
Molecular consequence: missense variant. On other transcripts: intron variant (1).
Genome position (GRCh38, 1-based): chr19:33,511,098, C>T on the plus strand (G>A on the coding strand, the complement: PEPD is on the minus strand). VCF-style: chr19-33511098-C-T. GRCh37 (hg19) VCF-style: chr19-34002004-C-T.
Other names: p.Asp87Asn; c.259G>A, p.Asp87Asn (NM_001166056.2); c.201+1495G>A (NM_001166057.2); short protein forms D87N.
Identifiers: ClinVar variation 328822 (VCV000328822.17), dbSNP rs201865747, ClinGen allele CA9364428.

ClinVar aggregate classification (germline): Conflicting classifications of pathogenicity. Review status: criteria provided, conflicting classifications (1 of 4 stars). 4 submissions from 4 submitters: Uncertain significance (3); Likely benign (1). Last evaluated 2026-01-14.

Conditions:
Prolidase deficiency. Identifiers: Orphanet 742, MedGen C0268532, MONDO:0008221, OMIM 170100.

Allele frequency attached by ClinVar (database versions not stated): 1000 Genomes Project 0.00080; gnomAD 0.00049 and 0.00056; TOPMed 0.00049; ESP Exome Variant Server 0.00055; 1000 Genomes Project 30x 0.00062.
gnomAD v4.1: 1,098 of 1,612,976 alleles (0.068%); highest among the groups gnomAD compares: South Asian, 0.33%; 6 homozygotes.

Submissions (4):

Labcorp Genetics (formerly Invitae), Labcorp
Classification: Likely benign. Last evaluated: 2026-01-14. Review status: criteria provided, single submitter. Criteria: Invitae Variant Classification Sherloc (09022015). Collection method: clinical testing. Allele origin: germline.

Blueprint Genetics
Classification: Uncertain significance. Last evaluated: 2024-11-25. Review status: criteria provided, single submitter. Criteria: ACMG Guidelines, 2015. Collection method: clinical testing. Allele origin: germline.

Mayo Clinic Laboratories, Mayo Clinic
Classification: Uncertain significance. Last evaluated: 2024-07-18. Review status: criteria provided, single submitter. Criteria: ACMG Guidelines, 2015. Collection method: clinical testing. Allele origin: germline. Observed: 1 variant allele.
Comment: BS1

Illumina Laboratory Services, Illumina
Classification: Uncertain significance for Prolidase deficiency. Last evaluated: 2018-01-12. Review status: criteria provided, single submitter. Criteria: ICSL Variant Classification Criteria 13 December 2019. Collection method: clinical testing. Allele origin: germline.